The following is an entry in ClinVar:

NM_017654.4(SAMD9):c.1041del (p.Ser348fs)

Gene: SAMD9 (sterile alpha motif domain containing 9; minus strand). Cytogenetic location: 7q21.2.
Variant type: Deletion.
Coding change: c.1041del on transcript NM_017654.4 (MANE Select); coding-DNA position 1041, one base deleted (C; older notation c.1041delC).
Protein change: p.Ser348fs; shifts the reading frame from serine 348.
Molecular consequence: frameshift variant.
Genome position (GRCh38, 1-based): chr7:93,105,057, G deleted on the plus strand (C on the coding strand, the reverse complement: SAMD9 is on the minus strand); the first of 2 consecutive G bases (chr7:93,105,057-93,105,058); deleting either gives the same sequence. VCF-style (leftmost placement, unchanged base first): chr7-93105056-TG-T. GRCh37 (hg19) VCF-style: chr7-92734369-TG-T.
Other names: c.1041del, p.Ser348fs (NM_001193307.2); short protein forms S348fs.
Identifiers: ClinVar variation 817889 (VCV000817889.1), dbSNP rs1584254471, ClinGen allele CA915945350.

ClinVar aggregate classification (germline): Likely pathogenic (1 of 4 stars; one submission).

Submission:

GeneDx
Classification: Likely pathogenic. Last evaluated: 2018-10-31. Review status: criteria provided, single submitter. Criteria: GeneDx Variant Classification (06012015). Collection method: clinical testing. Allele origin: germline. Affected: yes.
Comment: The c.1041delC variant in the SAMD9 gene has not been reported previously as a pathogenic variant nor as a benign variant, to our knowledge. The c.1041delC variant causes a frameshift starting with codon Serine 348, changes this amino acid to a Alanine residue, and creates a premature Stop codon at position 51 of the new reading frame, denoted p.Ser348AlafsX51. This variant is predicted to cause loss of normal protein function through protein truncation. The c.1041delC variant is not observed in large population cohorts (Lek et al., 2016). We interpret c.1041delC as a likely pathogenic variant.